The following is an entry in ClinVar:

NM_000424.4(KRT5):c.109C>T (p.Arg37Trp)

Gene: KRT5 (keratin 5; minus strand). Cytogenetic location: 12q13.13.
Variant type: single nucleotide variant.
Coding change: c.109C>T on transcript NM_000424.4 (MANE Select); coding-DNA position 109, C replaced by T.
Protein change: p.Arg37Trp; replaces arginine 37 with tryptophan.
Molecular consequence: missense variant.
Genome position (GRCh38, 1-based): chr12:52,520,188, G>A on the plus strand (C>T on the coding strand, the complement: KRT5 is on the minus strand). VCF-style: chr12-52520188-G-A. GRCh37 (hg19) VCF-style: chr12-52913972-G-A.
Other names: short protein forms R37W.
Identifiers: ClinVar variation 1809928 (VCV001809928.2), dbSNP rs370714132, ClinGen allele CA6582929.

ClinVar aggregate classification (germline): Conflicting classifications of pathogenicity. Review status: criteria provided, conflicting classifications (1 of 4 stars). 2 submissions from 2 submitters: Uncertain significance (1); Likely benign (1). Last evaluated 2022-06-28.

Submissions (2):

GeneDx
Classification: Uncertain significance. Last evaluated: 2022-06-28. Review status: criteria provided, single submitter. Criteria: GeneDx Variant Classification Process June 2021. Collection method: clinical testing. Allele origin: germline. Affected: yes.
Comment: Has not been previously published as pathogenic or benign to our knowledge; In silico analysis supports that this missense variant has a deleterious effect on protein structure/function; Located within the variable N-terminal region

Blueprint Genetics
Classification: Likely benign. Last evaluated: 2021-06-30. Review status: criteria provided, single submitter. Criteria: ACMG Guidelines, 2015. Collection method: clinical testing. Allele origin: germline.